The following is an entry in ClinVar:

NM_001352027.3(PHF21A):c.322C>A (p.Gln108Lys)

Gene: PHF21A (PHD finger protein 21A; minus strand). Cytogenetic location: 11p11.2.
Variant type: single nucleotide variant.
Coding change: c.322C>A on transcript NM_001352027.3 (MANE Select); coding-DNA position 322, C replaced by A.
Protein change: p.Gln108Lys; replaces glutamine 108 with lysine.
Molecular consequence: missense variant. On other transcripts: non-coding transcript variant (2).
Genome position (GRCh38, 1-based): chr11:45,979,798, G>T on the plus strand (C>A on the coding strand, the complement: PHF21A is on the minus strand). VCF-style: chr11-45979798-G-T. GRCh37 (hg19) VCF-style: chr11-46001349-G-T.
Other names: c.322C>A, p.Gln108Lys (NM_001101802.3, NM_001352025.3, NM_001352026.3 and 6 more transcripts); short protein forms Q108K.
Identifiers: ClinVar variation 2957021 (VCV002957021.4), dbSNP rs1311730265, ClinGen allele CA380214202.

ClinVar aggregate classification (germline): Conflicting classifications of pathogenicity. Review status: criteria provided, conflicting classifications (1 of 4 stars). 2 submissions from 2 submitters: Uncertain significance (1); Benign (1). Last evaluated 2026-01-05.

Allele frequency attached by ClinVar (database versions not stated): TOPMed 0.00001; gnomAD 0.00001.
gnomAD v4.1: 1 of 1,614,004 alleles (0.000062%); highest among the groups gnomAD compares: Admixed American, 0.0017%; no homozygotes.

Submissions (2):

Labcorp Genetics (formerly Invitae), Labcorp
Classification: Benign. Last evaluated: 2026-01-05. Review status: criteria provided, single submitter. Criteria: Invitae Variant Classification Sherloc (09022015). Collection method: clinical testing. Allele origin: germline.

Women's Health and Genetics/Laboratory Corporation of America, LabCorp
Classification: Uncertain significance. Last evaluated: 2024-09-23. Review status: criteria provided, single submitter. Criteria: LabCorp Variant Classification Summary - May 2015. Collection method: clinical testing. Allele origin: germline.
Comment: Variant summary: PHF21A c.322C>A (p.Gln108Lys) results in a conservative amino acid change in the encoded protein sequence. Four of five in-silico tools predict a benign effect of the variant on protein function. The variant allele was found at a frequency of 6.2e-07 in 1607074 control chromosomes in the gnomAD database (v4.1 dataset). The available data on variant occurrences in the general population are insufficient to allow any conclusion about variant significance. To our knowledge, no occurrence of c.322C>A in individuals affected with Intellectual Developmental Disorder With Behavioral Abnormalities And Craniofacial Dysmorphism With Or Without Seizures and no experimental evidence demonstrating its impact on protein function have been reported. ClinVar contains an entry for this variant (Variation ID: 2957021). Based on the evidence outlined above, the variant was classified as uncertain significance.